The following is an entry in ClinVar:

NM_004655.4(AXIN2):c.973T>A (p.Tyr325Asn)

Gene: AXIN2 (axin 2; minus strand). Cytogenetic location: 17q24.1.
Variant type: single nucleotide variant.
Coding change: c.973T>A on transcript NM_004655.4 (MANE Select); coding-DNA position 973, T replaced by A.
Protein change: p.Tyr325Asn; replaces tyrosine 325 with asparagine.
Molecular consequence: missense variant.
Genome position (GRCh38, 1-based): chr17:65,541,541, A>T on the plus strand (T>A on the coding strand, the complement: AXIN2 is on the minus strand). VCF-style: chr17-65541541-A-T. GRCh37 (hg19) VCF-style: chr17-63537659-A-T.
Other names: c.973T>A, p.Tyr325Asn (NM_001363813.1); c.973T>A (LRG_296t1); short protein forms Y325N.
Identifiers: ClinVar variation 650574 (VCV000650574.12), dbSNP rs758075343, ClinGen allele CA400679367.
Genomic context (GRCh38, chr17:65,541,541, plus strand): 5'-CATTGGCCTTCACACTGCGATGCATTTCTCTCTGGAGCTGTTTCTTACTGCCCACACGAT[A>T]AGGAGGAATTCCATCTCTAAGGGAAAGGAAAAGACAGAATCCACAGGCTTACGAGGATGT-3'
Protein context (NP_004646.3, residues 315-335): TDSSVDGIPP[Tyr325Asn]RVGSKKQLQR

ClinVar aggregate classification (germline): Uncertain significance. Review status: criteria provided, multiple submitters, no conflicts (2 of 4 stars). 2 submissions from 2 submitters: Uncertain significance (2). Last evaluated 2025-08-24.

Conditions:
Hereditary cancer-predisposing syndrome. Also called: Neoplastic Syndromes, Hereditary; Tumor predisposition; Hereditary Cancer Syndrome; Hereditary neoplastic syndrome. Identifiers: Orphanet 140162, MedGen C0027672, MeSH D009386, MONDO:0015356.
Oligodontia-cancer predisposition syndrome. Also called: TOOTH AGENESIS-COLORECTAL CANCER SYNDROME. Identifiers: Orphanet 300576, MedGen C1837750, MONDO:0012075, OMIM 608615. Disease mechanism: loss of function.

gnomAD v4.1: 3 of 1,614,022 alleles (0.00019%); highest among the groups gnomAD compares: Non-Finnish European, 0.000085%; no homozygotes.

Submissions (2):

Labcorp Genetics (formerly Invitae), Labcorp
Classification: Uncertain significance for Oligodontia-cancer predisposition syndrome. Last evaluated: 2025-08-24. Review status: criteria provided, single submitter. Criteria: Invitae Variant Classification Sherloc (09022015). Collection method: clinical testing. Allele origin: germline.
Comment: This sequence change replaces tyrosine, which is neutral and polar, with asparagine, which is neutral and polar, at codon 325 of the AXIN2 protein (p.Tyr325Asn). This variant is not present in population databases (gnomAD no frequency). This variant has not been reported in the literature in individuals affected with AXIN2-related conditions. ClinVar contains an entry for this variant (Variation ID: 650574). Invitae Evidence Modeling of protein sequence and biophysical properties (such as structural, functional, and spatial information, amino acid conservation, physicochemical variation, residue mobility, and thermodynamic stability) indicates that this missense variant is expected to disrupt AXIN2 protein function with a positive predictive value of 80%. In summary, the available evidence is currently insufficient to determine the role of this variant in disease. Therefore, it has been classified as a Variant of Uncertain Significance.

Ambry Genetics
Classification: Uncertain significance for Hereditary cancer-predisposing syndrome. Last evaluated: 2023-06-27. Review status: criteria provided, single submitter. Criteria: Ambry Variant Classification Scheme 2023. Collection method: clinical testing. Allele origin: germline.
Comment: The p.Y325N variant (also known as c.973T>A), located in coding exon 3 of the AXIN2 gene, results from a T to A substitution at nucleotide position 973. The tyrosine at codon 325 is replaced by asparagine, an amino acid with dissimilar properties. This amino acid position is conserved. In addition, this alteration is predicted to be deleterious by in silico analysis. Since supporting evidence is limited at this time, the clinical significance of this alteration remains unclear.